The following is an entry in ClinVar:

NM_001171.6(ABCC6):c.3548T>G (p.Val1183Gly)

Gene: ABCC6 (ATP binding cassette subfamily C member 6; minus strand). Cytogenetic location: 16p13.11.
Variant type: single nucleotide variant.
Coding change: c.3548T>G on transcript NM_001171.6 (MANE Select); coding-DNA position 3548, T replaced by G.
Protein change: p.Val1183Gly; replaces valine 1183 with glycine.
Molecular consequence: missense variant. On other transcripts: non-coding transcript variant (1).
Genome position (GRCh38, 1-based): chr16:16,161,523, A>C on the plus strand (T>G on the coding strand, the complement: ABCC6 is on the minus strand). VCF-style: chr16-16161523-A-C. GRCh37 (hg19) VCF-style: chr16-16255380-A-C.
Other names: c.3206T>G, p.Val1069Gly (NM_001351800.1); c.3548T>G (NM_001171.5); short protein forms V1183G, V1069G.
Identifiers: ClinVar variation 1409801 (VCV001409801.4), dbSNP rs773579765, ClinGen allele CA7925532.

ClinVar aggregate classification (germline): Uncertain significance. Review status: criteria provided, multiple submitters, no conflicts (2 of 4 stars). 2 submissions from 2 submitters: Uncertain significance (2). Last evaluated 2021-12-06.

Conditions:
Inborn genetic diseases. Identifiers: MedGen C0950123, MeSH D030342.

Allele frequency attached by ClinVar (database versions not stated): ExAC 0.00001; TOPMed 0.00001; gnomAD exomes 0.00003.
gnomAD v4.1: 8 of 1,613,960 alleles (0.0005%); highest among the groups gnomAD compares: Admixed American, 0.013%; no homozygotes.

Submissions (2):

Labcorp Genetics (formerly Invitae), Labcorp
Classification: Uncertain significance. Last evaluated: 2021-12-06. Review status: criteria provided, single submitter. Criteria: Invitae Variant Classification Sherloc (09022015). Collection method: clinical testing. Allele origin: germline.
Comment: This sequence change replaces valine, which is neutral and non-polar, with glycine, which is neutral and non-polar, at codon 1183 of the ABCC6 protein (p.Val1183Gly). This variant is present in population databases (rs773579765, gnomAD 0.02%). This variant has not been reported in the literature in individuals affected with ABCC6-related conditions. Algorithms developed to predict the effect of missense changes on protein structure and function are either unavailable or do not agree on the potential impact of this missense change (SIFT: "Deleterious"; PolyPhen-2: "Probably Damaging"; Align-GVGD: "Class C0"). In summary, the available evidence is currently insufficient to determine the role of this variant in disease. Therefore, it has been classified as a Variant of Uncertain Significance.

Ambry Genetics
Classification: Uncertain significance for Inborn genetic diseases. Last evaluated: 2021-11-05. Review status: criteria provided, single submitter. Criteria: Ambry Variant Classification Scheme 2023. Collection method: clinical testing. Allele origin: germline.